The following is an entry in ClinVar:

NM_017636.4(TRPM4):c.2978G>T (p.Cys993Phe)

Gene: TRPM4 (transient receptor potential cation channel subfamily M member 4; plus strand). Cytogenetic location: 19q13.33.
Variant type: single nucleotide variant.
Coding change: c.2978G>T on transcript NM_017636.4 (MANE Select); coding-DNA position 2978, G replaced by T.
Protein change: p.Cys993Phe; replaces cysteine 993 with phenylalanine.
Molecular consequence: missense variant.
Genome position (GRCh38, 1-based): chr19:49,201,988, G>T. VCF-style: chr19-49201988-G-T. GRCh37 (hg19) VCF-style: chr19-49705245-G-T.
Other names: c.2543G>T, p.Cys848Phe (NM_001195227.2); c.2633G>T, p.Cys878Phe (NM_001321281.2); c.1370G>T, p.Cys457Phe (NM_001321282.2); c.2456G>T, p.Cys819Phe (NM_001321283.2); c.1916G>T, p.Cys639Phe (NM_001321285.2); short protein forms C993F, C639F, C878F, C457F, C819F, C848F.
Identifiers: ClinVar variation 518857 (VCV000518857.6), dbSNP rs1555763492, ClinGen allele CA406812583.

ClinVar aggregate classification (germline): Uncertain significance. Review status: criteria provided, multiple submitters, no conflicts (2 of 4 stars). 2 submissions from 2 submitters: Uncertain significance (2). Last evaluated 2023-10-23.

Conditions:
Cardiovascular phenotype. Identifiers: MedGen CN230736.

Allele frequency attached by ClinVar (database versions not stated): gnomAD exomes below 0.00001.
gnomAD v4.1: 2 of 1,613,730 alleles (0.00012%); highest among the groups gnomAD compares: Non-Finnish European, 0.00017%; no homozygotes.

Submissions (2):

GeneDx
Classification: Uncertain significance. Last evaluated: 2023-10-23. Review status: criteria provided, single submitter. Criteria: GeneDx Variant Classification Process June 2021. Collection method: clinical testing. Allele origin: germline. Affected: yes.
Comment: Not observed at significant frequency in large population cohorts (gnomAD); In silico analysis supports that this missense variant has a deleterious effect on protein structure/function; Has not been previously published as pathogenic or benign to our knowledge

Ambry Genetics
Classification: Uncertain significance for Cardiovascular phenotype. Last evaluated: 2017-06-26. Review status: criteria provided, single submitter. Criteria: Ambry Variant Classification Scheme 2023. Collection method: clinical testing. Allele origin: germline.
Comment: The p.C993F variant (also known as c.2978G>T), located in coding exon 20 of the TRPM4 gene, results from a G to T substitution at nucleotide position 2978. The cysteine at codon 993 is replaced by phenylalanine, an amino acid with highly dissimilar properties. This amino acid position is located in the pore-forming intramembrane region between transmembrane helices S5 and S6 of the TRPM4 cation channel. This position is highly conserved in available vertebrate species. In addition, the in silico prediction for this alteration is inconclusive. Since supporting evidence is limited at this time, the clinical significance of this alteration remains unclear.